The following is an entry in ClinVar:

NM_001142864.4(PIEZO1):c.3345G>A (p.Val1115=)

Gene: PIEZO1 (piezo type mechanosensitive ion channel component 1 (Er blood group); minus strand). Cytogenetic location: 16q24.3.
Variant type: single nucleotide variant.
Coding change: c.3345G>A on transcript NM_001142864.4 (MANE Select); coding-DNA position 3345, G replaced by A.
Protein change: p.Val1115=; no amino-acid change (valine 1115 retained).
Molecular consequence: synonymous variant.
Genome position (GRCh38, 1-based): chr16:88,727,149, C>T on the plus strand (G>A on the coding strand, the complement: PIEZO1 is on the minus strand). VCF-style: chr16-88727149-C-T. GRCh37 (hg19) VCF-style: chr16-88793557-C-T.
Other names: c.3345G>A (NM_001142864.3).
Identifiers: ClinVar variation 4079644 (VCV004079644.2).

ClinVar aggregate classification (germline): Conflicting classifications of pathogenicity. Review status: criteria provided, conflicting classifications (1 of 4 stars). 2 submissions from 2 submitters: Uncertain significance (1); Likely benign (1). Last evaluated 2025-12-30.

Conditions:
PIEZO1-related disorder. Also called: PIEZO1-related condition; PIEZO1-Related Disorders.

Submissions (2):

PreventionGenetics, part of Exact Sciences
Classification: Likely benign for PIEZO1-related condition. Last evaluated: 2025-12-30. Review status: criteria provided, single submitter. Criteria: ACMG Guidelines, 2015. Collection method: clinical testing. Allele origin: germline.
Comment: This variant is classified as likely benign based on ACMG/AMP sequence variant interpretation guidelines (Richards et al. 2015 PMID: 25741868, with internal and published modifications).

Revvity Omics, Revvity
Classification: Uncertain significance. Last evaluated: 2024-01-17. Review status: criteria provided, single submitter. Criteria: ACMG Guidelines, 2015. Collection method: clinical testing. Allele origin: germline.